The following is an entry in ClinVar:

ClinVar aggregate classification (germline): Uncertain significance (1 of 4 stars; one submission).

Conditions:
Glycogen storage disease type III (GSD3). Also called: Cori disease; FORBES DISEASE. Identifiers: Orphanet 366, MedGen C0017922, MONDO:0009291, OMIM 232400.

Allele frequency attached by ClinVar (database versions not stated): gnomAD exomes 0.00001.
gnomAD v4.1: 11 of 1,613,762 alleles (0.00068%); highest among the groups gnomAD compares: Admixed American, 0.0017%; no homozygotes.

Submission:

Labcorp Genetics (formerly Invitae), Labcorp
Classification: Uncertain significance for Glycogen storage disease type III. Last evaluated: 2022-08-03. Review status: criteria provided, single submitter. Criteria: Invitae Variant Classification Sherloc (09022015). Collection method: clinical testing. Allele origin: germline.
Comment: This sequence change replaces glutamic acid, which is acidic and polar, with glutamine, which is neutral and polar, at codon 26 of the AGL protein (p.Glu26Gln). This variant is present in population databases (rs781592803, gnomAD 0.003%). This variant has not been reported in the literature in individuals affected with AGL-related conditions. Algorithms developed to predict the effect of missense changes on protein structure and function (SIFT, PolyPhen-2, Align-GVGD) all suggest that this variant is likely to be tolerated. In summary, the available evidence is currently insufficient to determine the role of this variant in disease. Therefore, it has been classified as a Variant of Uncertain Significance.

NM_000642.3(AGL):c.76G>C (p.Glu26Gln)

Gene: AGL (amylo-alpha-1,6-glucosidase and 4-alpha-glucanotransferase; plus strand). Cytogenetic location: 1p21.2.
Variant type: single nucleotide variant.
Coding change: c.76G>C on transcript NM_000642.3 (MANE Select); coding-DNA position 76, G replaced by C.
Protein change: p.Glu26Gln; replaces glutamic acid 26 with glutamine.
Molecular consequence: missense variant.
Genome position (GRCh38, 1-based): chr1:99,851,118, G>C. VCF-style: chr1-99851118-G-C. GRCh37 (hg19) VCF-style: chr1-100316674-G-C.
Other names: c.76G>C, p.Glu26Gln (NM_000028.3, NM_000643.3, NM_000644.3 and 6 more transcripts); c.-116G>C (NM_000646.3); short protein forms E26Q.
Identifiers: ClinVar variation 2061718 (VCV002061718.1), dbSNP rs781592803, ClinGen allele CA27550826.